The following is an entry in ClinVar:

ClinVar aggregate classification (germline): Uncertain significance (1 of 4 stars; one submission).

Conditions:
Hereditary cancer-predisposing syndrome. Also called: Neoplastic Syndromes, Hereditary; Tumor predisposition; Hereditary Cancer Syndrome; Hereditary neoplastic syndrome. Identifiers: Orphanet 140162, MedGen C0027672, MeSH D009386, MONDO:0015356.

Submission:

Ambry Genetics
Classification: Uncertain significance for Hereditary cancer-predisposing syndrome. Last evaluated: 2021-07-14. Review status: criteria provided, single submitter. Criteria: Ambry Variant Classification Scheme 2023. Collection method: clinical testing. Allele origin: germline.
Comment: The p.E278G variant (also known as c.833A>G), located in coding exon 3 of the XRCC2 gene, results from an A to G substitution at nucleotide position 833. The glutamic acid at codon 278 is replaced by glycine, an amino acid with similar properties. This amino acid position is conserved. In addition, this alteration is predicted to be tolerated by in silico analysis. Since supporting evidence is limited at this time, the clinical significance of this alteration remains unclear.

NM_005431.2(XRCC2):c.833A>G (p.Glu278Gly)

Gene: XRCC2 (X-ray repair cross complementing 2; minus strand). Cytogenetic location: 7q36.1.
Variant type: single nucleotide variant.
Coding change: c.833A>G on transcript NM_005431.2 (MANE Select); coding-DNA position 833, A replaced by G.
Protein change: p.Glu278Gly; replaces glutamic acid 278 with glycine.
Molecular consequence: missense variant.
Genome position (GRCh38, 1-based): chr7:152,648,652, T>C on the plus strand (A>G on the coding strand, the complement: XRCC2 is on the minus strand). VCF-style: chr7-152648652-T-C. GRCh37 (hg19) VCF-style: chr7-152345737-T-C.
Other names: short protein forms E278G.
Identifiers: ClinVar variation 1762980 (VCV001762980.2), dbSNP rs2485880113, ClinGen allele CA370197839.